The following is an entry in ClinVar:

NM_000051.4(ATM):c.3512A>G (p.Gln1171Arg)

Gene: ATM (ATM serine/threonine kinase; plus strand). Cytogenetic location: 11q22.3.
Variant type: single nucleotide variant.
Coding change: c.3512A>G on transcript NM_000051.4 (MANE Select); coding-DNA position 3512, A replaced by G.
Protein change: p.Gln1171Arg; replaces glutamine 1171 with arginine.
Molecular consequence: missense variant.
Genome position (GRCh38, 1-based): chr11:108,281,104, A>G. VCF-style: chr11-108281104-A-G. GRCh37 (hg19) VCF-style: chr11-108151831-A-G.
Other names: c.3512A>G, p.Gln1171Arg (NM_001351834.2); short protein forms Q1171R.
Identifiers: ClinVar variation 1732172 (VCV001732172.6), dbSNP rs1555091325, ClinGen allele CA382519940.

ClinVar aggregate classification (germline): Uncertain significance. Review status: criteria provided, multiple submitters, no conflicts (2 of 4 stars). 3 submissions from 3 submitters: Uncertain significance (3). Last evaluated 2025-02-07.

Conditions:
Hereditary cancer-predisposing syndrome. Also called: Neoplastic Syndromes, Hereditary; Tumor predisposition; Hereditary Cancer Syndrome; Hereditary neoplastic syndrome. Identifiers: Orphanet 140162, MedGen C0027672, MeSH D009386, MONDO:0015356.
Ataxia-telangiectasia syndrome (AT). Also called: LOUIS-BAR SYNDROME; Cerebello-oculocutaneous telangiectasia; Immunodeficiency with ataxia telangiectasia; Ataxia-telangiectasia, complementation group D; AT, COMPLEMENTATION GROUP C; ATAXIA-TELANGIECTASIA, COMPLEMENTATION GROUP A. Identifiers: Orphanet 100, MedGen C0004135, MONDO:0008840, OMIM 208900.

Allele frequency attached by ClinVar (database versions not stated): gnomAD exomes below 0.00001; TOPMed below 0.00001.
gnomAD v4.1: 1 of 1,614,034 alleles (0.000062%); highest among the groups gnomAD compares: Admixed American, 0.0017%; no homozygotes.

Submissions (3):

GeneDx
Classification: Uncertain significance. Last evaluated: 2025-02-07. Review status: criteria provided, single submitter. Criteria: GeneDx Variant Classification Process June 2021. Collection method: clinical testing. Allele origin: germline. Affected: yes.
Comment: Not observed at significant frequency in large population cohorts (gnomAD); In silico analysis indicates that this missense variant does not alter protein structure/function; Has not been previously published as pathogenic or benign to our knowledge; This variant is associated with the following publications: (PMID: 19781682)

Ambry Genetics
Classification: Uncertain significance for Hereditary cancer-predisposing syndrome. Last evaluated: 2024-03-03. Review status: criteria provided, single submitter. Criteria: Ambry Variant Classification Scheme 2023. Collection method: clinical testing. Allele origin: germline.
Comment: The p.Q1171R variant (also known as c.3512A>G), located in coding exon 23 of the ATM gene, results from an A to G substitution at nucleotide position 3512. The glutamine at codon 1171 is replaced by arginine, an amino acid with highly similar properties. This amino acid position is highly conserved in available vertebrate species. In addition, the in silico prediction for this alteration is inconclusive. Since supporting evidence is limited at this time, the clinical significance of this alteration remains unclear.

Labcorp Genetics (formerly Invitae), Labcorp
Classification: Uncertain significance for Ataxia-telangiectasia syndrome. Last evaluated: 2023-09-27. Review status: criteria provided, single submitter. Criteria: Invitae Variant Classification Sherloc (09022015). Collection method: clinical testing. Allele origin: germline.
Comment: This sequence change replaces glutamine, which is neutral and polar, with arginine, which is basic and polar, at codon 1171 of the ATM protein (p.Gln1171Arg). This variant is not present in population databases (gnomAD no frequency). This variant has not been reported in the literature in individuals affected with ATM-related conditions. ClinVar contains an entry for this variant (Variation ID: 1732172). An algorithm developed to predict the effect of missense changes on protein structure and function (PolyPhen-2) suggests that this variant is likely to be tolerated. In summary, the available evidence is currently insufficient to determine the role of this variant in disease. Therefore, it has been classified as a Variant of Uncertain Significance.